The following is an entry in ClinVar:

NC_000002.11:g.(?_105858316)_(106002973_?)dup

Genes: GPR45 (G protein-coupled receptor 45; plus strand), TGFBRAP1 (transforming growth factor beta receptor associated protein 1; minus strand), C2orf49 (chromosome 2 open reading frame 49; plus strand), FHL2 (four and a half LIM domains 2; minus strand). Cytogenetic location: 2q12.1-12.2.
Variant type: Duplication.
Identifiers: ClinVar variation 1426062 (VCV001426062.5).

ClinVar aggregate classification (germline): Uncertain significance (1 of 4 stars; one submission).

Submission:

Labcorp Genetics (formerly Invitae), Labcorp
Classification: Uncertain significance. Last evaluated: 2022-11-15. Review status: criteria provided, single submitter. Criteria: Invitae Variant Classification Sherloc (09022015). Collection method: clinical testing. Allele origin: germline.
Comment: Experimental studies and prediction algorithms are not available or were not evaluated, and the functional significance of this variant is currently unknown. In summary, the available evidence is currently insufficient to determine the role of this variant in disease. Therefore, it has been classified as a Variant of Uncertain Significance. This variant has not been reported in the literature in individuals affected with GPR45-related conditions. A copy number gain of the genomic region encompassing the full coding sequence of the GPR45 gene has been identified. The boundaries of this event are unknown as they extend beyond the assayed region for this gene and therefore may encompass additional genes. As the precise location of this event is unknown, it may be in tandem or it may be located elsewhere in the genome.